The following is an entry in ClinVar:

NM_000059.4(BRCA2):c.9801G>C (p.Lys3267Asn)

Gene: BRCA2 (BRCA2 DNA repair associated; plus strand). Cytogenetic location: 13q13.1.
Variant type: single nucleotide variant.
Coding change: c.9801G>C on transcript NM_000059.4 (MANE Select); coding-DNA position 9801, G replaced by C.
Protein change: p.Lys3267Asn; replaces lysine 3267 with asparagine.
Molecular consequence: missense variant.
Genome position (GRCh38, 1-based): chr13:32,398,314, G>C. VCF-style: chr13-32398314-G-C. GRCh37 (hg19) VCF-style: chr13-32972451-G-C.
Other names: short protein forms K3267N.
Identifiers: ClinVar variation 653282 (VCV000653282.16), dbSNP rs1555289963, ClinGen allele CA387766069.

ClinVar aggregate classification (germline): Uncertain significance. Review status: criteria provided, multiple submitters, no conflicts (2 of 4 stars). 4 submissions from 4 submitters: Uncertain significance (4). Last evaluated 2026-04-15.

Conditions:
BRCA2-related disorder. Also called: BRCA2-related condition; BRCA2-related disorders. Identifiers: MedGen CN239275.
Familial cancer of breast. Also called: Hereditary breast cancer; BREAST CANCER, FAMILIAL; hereditary breast carcinoma. Identifiers: Orphanet 227535, MedGen C0346153, MONDO:0016419, OMIM 114480. Disease mechanism: loss of function.
Hereditary cancer-predisposing syndrome. Also called: Neoplastic Syndromes, Hereditary; Tumor predisposition; Hereditary neoplastic syndrome; Hereditary Cancer Syndrome. Identifiers: Orphanet 140162, MedGen C0027672, MeSH D009386, MONDO:0015356.
Hereditary breast ovarian cancer syndrome. Also called: Hereditary breast and ovarian cancer syndrome (HBOC); Hereditary breast and ovarian cancer; Hereditary breast and ovarian cancer syndrome; Hereditary breast and/or ovarian cancer syndrome; BRCA1- and BRCA2-Associated Hereditary Breast and Ovarian Cancer; Breast and ovarian cancer. Identifiers: Orphanet 145, MedGen C0677776, MeSH D061325, MONDO:0003582. Disease mechanism: loss of function.

Allele frequency attached by ClinVar (database versions not stated): TOPMed below 0.00001.

Submissions (4):

PreventionGenetics, part of Exact Sciences
Classification: Uncertain significance for BRCA2-related condition. Last evaluated: 2026-04-15. Review status: criteria provided, single submitter. Criteria: ACMG Guidelines, 2015. Collection method: clinical testing. Allele origin: germline.
Comment: The BRCA2 c.9801G>C variant is predicted to result in the amino acid substitution p.Lys3267Asn. To our knowledge, this variant has not been reported in the literature or in a large population database, indicating this variant is rare. This variant is interpreted as uncertain in ClinVar (Variation ID: 653282). At this time, the clinical significance of this variant is uncertain due to the absence of conclusive functional and genetic evidence.

Labcorp Genetics (formerly Invitae), Labcorp
Classification: Uncertain significance for Hereditary breast ovarian cancer syndrome. Last evaluated: 2025-07-29. Review status: criteria provided, single submitter. Criteria: Invitae Variant Classification Sherloc (09022015). Collection method: clinical testing. Allele origin: germline.
Comment: This sequence change replaces lysine, which is basic and polar, with asparagine, which is neutral and polar, at codon 3267 of the BRCA2 protein (p.Lys3267Asn). This variant is not present in population databases (gnomAD no frequency). This variant has not been reported in the literature in individuals affected with BRCA2-related conditions. ClinVar contains an entry for this variant (Variation ID: 653282). Invitae Evidence Modeling of protein sequence and biophysical properties (such as structural, functional, and spatial information, amino acid conservation, physicochemical variation, residue mobility, and thermodynamic stability) indicates that this missense variant is not expected to disrupt BRCA2 protein function with a negative predictive value of 95%. In summary, the available evidence is currently insufficient to determine the role of this variant in disease. Therefore, it has been classified as a Variant of Uncertain Significance.

Baylor Genetics
Classification: Uncertain significance for Familial cancer of breast. Last evaluated: 2024-02-28. Review status: criteria provided, single submitter. Criteria: ACMG Guidelines, 2015. Collection method: clinical testing. Allele origin: unknown.

Ambry Genetics
Classification: Uncertain significance for Hereditary cancer-predisposing syndrome. Last evaluated: 2018-12-28. Review status: criteria provided, single submitter. Criteria: Ambry Variant Classification Scheme 2023. Collection method: clinical testing. Allele origin: germline.
Comment: The p.K3267N variant (also known as c.9801G>C), located in coding exon 26 of the BRCA2 gene, results from a G to C substitution at nucleotide position 9801. The lysine at codon 3267 is replaced by asparagine, an amino acid with similar properties. This amino acid position is highly conserved in available vertebrate species. In addition, this alteration is predicted to be tolerated by in silico analysis. Since supporting evidence is limited at this time, the clinical significance of this alteration remains unclear.